The following is an entry in ClinVar:

NM_007294.4(BRCA1):c.3909G>C (p.Leu1303Phe)

Genes: BRCA1 (BRCA1 DNA repair associated; minus strand), LOC126862571 (BRD4-independent group 4 enhancer GRCh37_chr17:41243136-41244335; plus strand). Cytogenetic location: 17q21.31.
Variant type: single nucleotide variant.
Coding change: c.3909G>C on transcript NM_007294.4 (MANE Select); coding-DNA position 3909, G replaced by C.
Protein change: p.Leu1303Phe; replaces leucine 1303 with phenylalanine.
Molecular consequence: missense variant. On other transcripts: intron variant (135).
Genome position (GRCh38, 1-based): chr17:43,091,622, C>G on the plus strand (G>C on the coding strand, the complement: BRCA1 is on the minus strand). VCF-style: chr17-43091622-C-G. GRCh37 (hg19) VCF-style: chr17-41243639-C-G.
Other names: c.3645G>C, p.Leu1215Phe (NM_001407927.1, NM_001407928.1, NM_001407929.1 and 9 more transcripts); c.3642G>C, p.Leu1214Phe (NM_001407930.1, NM_001407931.1, NM_001407932.1 and 2 more transcripts); c.3831G>C, p.Leu1277Phe (NM_001407653.1, NM_001407654.1, NM_001407655.1 and 4 more transcripts); c.3828G>C, p.Leu1276Phe (NM_001407659.1, NM_001407660.1, NM_001407661.1 and 1 more transcripts); c.3786G>C, p.Leu1262Phe (NM_001407664.1, NM_001407665.1, NM_001407666.1 and 19 more transcripts); c.3783G>C, p.Leu1261Phe (NM_001407670.1, NM_001407671.1, NM_001407672.1 and 11 more transcripts); c.3909G>C, p.Leu1303Phe (NM_001407684.1, NM_001407854.1, NM_001407858.1 and 30 more transcripts); c.3768G>C, p.Leu1256Phe (NM_001407692.1, NM_001407694.1, NM_001407695.1 and 29 more transcripts); and 41 more; short protein forms L1007F, L1135F, L1175F, L1176F, L1191F, L1192F, L1214F, L1215F.
Identifiers: ClinVar variation 4867750 (VCV004867750.1).
Genomic context (GRCh38, chr17:43,091,622, plus strand): 5'-TTGTTTGGAAGAACCAATCAAGAAAGGATCCTGGGTGTTTGTATTTGCAGTCAAGTCTTC[C>G]AATTCACTGCACTGTGAAGAAAACAAGCTAGCAGAACATTTTGTTTCCTCACTAAGGTGA-3'
Protein context (NP_009225.1, residues 1293-1313): ASLFSSQCSE[Leu1303Phe]EDLTANTNTQ

ClinVar aggregate classification (germline): Uncertain significance (1 of 4 stars; one submission).

Conditions:
Hereditary cancer-predisposing syndrome. Also called: Neoplastic Syndromes, Hereditary; Tumor predisposition; Hereditary Cancer Syndrome; Hereditary neoplastic syndrome. Identifiers: Orphanet 140162, MedGen C0027672, MeSH D009386, MONDO:0015356.

Submission:

Ambry Genetics
Classification: Uncertain significance for Hereditary cancer-predisposing syndrome. Last evaluated: 2026-06-09. Review status: criteria provided, single submitter. Criteria: Ambry Variant Classification Scheme 2023. Collection method: clinical testing. Allele origin: germline.
Comment: The p.L1303F variant (also known as c.3909G>C), located in coding exon 9 of the BRCA1 gene, results from a G to C substitution at nucleotide position 3909. The leucine at codon 1303 is replaced by phenylalanine, an amino acid with highly similar properties. This amino acid position is not well conserved in available vertebrate species. In addition, this alteration is predicted to be tolerated by in silico analysis. Based on the available evidence, the clinical significance of this variant remains unclear.